The following is an entry in ClinVar:

ClinVar aggregate classification (germline): Uncertain significance (1 of 4 stars; one submission).

Conditions:
Cortical dysplasia-focal epilepsy syndrome (PTHSL1). Also called: Pitt-Hopkins-like syndrome 1. Identifiers: Orphanet 163681, Orphanet 221150, MedGen C2750246, MONDO:0012400, OMIM 610042.

Submission:

Labcorp Genetics (formerly Invitae), Labcorp
Classification: Uncertain significance for Cortical dysplasia-focal epilepsy syndrome. Last evaluated: 2022-05-25. Review status: criteria provided, single submitter. Criteria: Invitae Variant Classification Sherloc (09022015). Collection method: clinical testing. Allele origin: germline.
Comment: In summary, the available evidence is currently insufficient to determine the role of this variant in disease. Therefore, it has been classified as a Variant of Uncertain Significance. Algorithms developed to predict the effect of missense changes on protein structure and function are either unavailable or do not agree on the potential impact of this missense change (SIFT: "Deleterious"; PolyPhen-2: "Benign"; Align-GVGD: "Class C0"). This variant has not been reported in the literature in individuals affected with CNTNAP2-related conditions. This variant is not present in population databases (gnomAD no frequency). This sequence change replaces aspartic acid, which is acidic and polar, with glutamic acid, which is acidic and polar, at codon 349 of the CNTNAP2 protein (p.Asp349Glu).

NM_014141.6(CNTNAP2):c.1047T>A (p.Asp349Glu)

Gene: CNTNAP2 (contactin associated protein 2; plus strand). Cytogenetic location: 7q35.
Variant type: single nucleotide variant.
Coding change: c.1047T>A on transcript NM_014141.6 (MANE Select); coding-DNA position 1047, T replaced by A.
Protein change: p.Asp349Glu; replaces aspartic acid 349 with glutamic acid.
Molecular consequence: missense variant.
Genome position (GRCh38, 1-based): chr7:147,128,800, T>A. VCF-style: chr7-147128800-T-A. GRCh37 (hg19) VCF-style: chr7-146825892-T-A.
Other names: short protein forms D349E.
Identifiers: ClinVar variation 1998811 (VCV001998811.4), dbSNP rs1584861427, ClinGen allele CA369924359.